The following is an entry in ClinVar:

NM_000081.4(LYST):c.7485G>T (p.Leu2495Phe)

Gene: LYST (lysosomal trafficking regulator; minus strand). Cytogenetic location: 1q42.3.
Variant type: single nucleotide variant.
Coding change: c.7485G>T on transcript NM_000081.4 (MANE Select); coding-DNA position 7485, G replaced by T.
Protein change: p.Leu2495Phe; replaces leucine 2495 with phenylalanine.
Molecular consequence: missense variant.
Genome position (GRCh38, 1-based): chr1:235,752,147, C>A on the plus strand (G>T on the coding strand, the complement: LYST is on the minus strand). VCF-style: chr1-235752147-C-A. GRCh37 (hg19) VCF-style: chr1-235915447-C-A.
Other names: c.7485G>T, p.Leu2495Phe (NM_001301365.1); short protein forms L2495F.
Identifiers: ClinVar variation 2575886 (VCV002575886.2), dbSNP rs140719765, ClinGen allele CA1466122.

ClinVar aggregate classification (germline): Uncertain significance. Review status: criteria provided, multiple submitters, no conflicts (2 of 4 stars). 2 submissions from 2 submitters: Uncertain significance (2). Last evaluated 2025-11-26.

Conditions:
Inborn genetic diseases. Identifiers: MedGen C0950123, MeSH D030342.

Allele frequency attached by ClinVar (database versions not stated): ESP Exome Variant Server 0.00015; ExAC 0.00002; gnomAD 0.00003; TOPMed 0.00002.
gnomAD v4.1: 9 of 1,610,314 alleles (0.00056%); highest among the groups gnomAD compares: African/African-American, 0.011%; no homozygotes.

Submissions (2):

Ambry Genetics
Classification: Uncertain significance for Inborn genetic diseases. Last evaluated: 2025-11-26. Review status: criteria provided, single submitter. Criteria: Ambry Variant Classification Scheme 2023. Collection method: clinical testing. Allele origin: germline.

GeneDx
Classification: Uncertain significance. Last evaluated: 2023-02-09. Review status: criteria provided, single submitter. Criteria: GeneDx Variant Classification Process June 2021. Collection method: clinical testing. Allele origin: germline. Affected: yes.
Comment: Not observed at significant frequency in large population cohorts (gnomAD); In silico analysis supports that this missense variant does not alter protein structure/function; Has not been previously published as pathogenic or benign to our knowledge